The following is an entry in ClinVar:

NM_005068.3(SIM1):c.1622C>G (p.Ser541Trp)

Gene: SIM1 (SIM bHLH transcription factor 1; minus strand). Cytogenetic location: 6q16.3.
Variant type: single nucleotide variant.
Coding change: c.1622C>G on transcript NM_005068.3 (MANE Select); coding-DNA position 1622, C replaced by G.
Protein change: p.Ser541Trp; replaces serine 541 with tryptophan.
Molecular consequence: missense variant.
Genome position (GRCh38, 1-based): chr6:100,391,040, G>C on the plus strand (C>G on the coding strand, the complement: SIM1 is on the minus strand). VCF-style: chr6-100391040-G-C. GRCh37 (hg19) VCF-style: chr6-100838916-G-C.
Other names: c.1622C>G, p.Ser541Trp (NM_001374769.1); short protein forms S541W.
Identifiers: ClinVar variation 3353343 (VCV003353343.2).

ClinVar aggregate classification (germline): Uncertain significance. Review status: criteria provided, single submitter (1 of 4 stars). 2 submissions from 2 submitters: Uncertain significance (1). 1 of the submissions does not count toward it. Last evaluated 2025-04-03.

Conditions:
SIM1-related disorder. Also called: SIM1-related condition; SIM1-related disorders.
Inborn genetic diseases. Identifiers: MedGen C0950123, MeSH D030342.

Submissions (2):

Ambry Genetics
Classification: Uncertain significance for Inborn genetic diseases. Last evaluated: 2025-04-03. Review status: criteria provided, single submitter. Criteria: Ambry Variant Classification Scheme 2023. Collection method: clinical testing. Allele origin: germline.

PreventionGenetics, part of Exact Sciences
Classification: Uncertain significance for SIM1-related condition. Last evaluated: 2023-11-06. Review status: no assertion criteria provided. Collection method: clinical testing. Allele origin: germline. Not counted in ClinVar's aggregate classification.
Comment: The SIM1 c.1622C>G variant is predicted to result in the amino acid substitution p.Ser541Trp. To our knowledge, this variant has not been reported in the literature or in a large population database, indicating this variant is rare. Of note, a different variant impacting the same amino acid (p.Ser541Leu) was reported in a patient with severe early onset obesity and was absent from controls; however, functional studies showed that this variant retained activity levels similar to wildtype (Ramachandrappa et al. 2013. PubMed ID: 23778139). At this time, the clinical significance of the c.1622C>G (p.Ser541Trp) variant is uncertain due to the absence of conclusive functional and genetic evidence.